The following is an entry in ClinVar:

ClinVar aggregate classification (germline): Uncertain significance (1 of 4 stars; one submission).

Submission:

GeneDx
Classification: Uncertain significance. Last evaluated: 2025-07-01. Review status: criteria provided, single submitter. Criteria: GeneDx Variant Classification Process June 2021. Collection method: clinical testing. Allele origin: germline. Affected: yes.
Comment: Not observed at significant frequency in large population cohorts (gnomAD); In-frame deletion of 1 amino acid(s) in a non-repeat region; In silico analysis supports a deleterious effect on protein structure/function; Has not been previously published as pathogenic or benign to our knowledge

NM_000937.5(POLR2A):c.5902GAG[1] (p.Glu1969del)

Gene: POLR2A (RNA polymerase II subunit A; plus strand). Cytogenetic location: 17p13.1.
Variant type: Microsatellite.
Coding change: c.5902GAG[1] on transcript NM_000937.5 (MANE Select); one copy of the 3-base unit GAG starting at c.5902; the reference has two copies in a row; one copy, 3 bases deleted.
Protein change: p.Glu1969del; deletes glutamic acid 1969.
Molecular consequence: inframe deletion.
Genome position (GRCh38, 1-based): chr17:7,514,171-7,514,173, GAG deleted; deleting any 3 consecutive bases within chr17:7,514,168-7,514,173 gives the same sequence; the position shown is the placement nearest the transcript's 3' end. VCF-style (leftmost placement, unchanged base first): chr17-7514167-CGAG-C. GRCh37 (hg19) VCF-style: chr17-7417484-CGAG-C.
Other names: short protein forms E1969del.
Identifiers: ClinVar variation 4680894 (VCV004680894.1).